The following is an entry in ClinVar:

NM_000352.6(ABCC8):c.1472A>G (p.Tyr491Cys)

Gene: ABCC8 (ATP binding cassette subfamily C member 8; minus strand). Cytogenetic location: 11p15.1.
Variant type: single nucleotide variant.
Coding change: c.1472A>G on transcript NM_000352.6 (MANE Select); coding-DNA position 1472, A replaced by G.
Protein change: p.Tyr491Cys; replaces tyrosine 491 with cysteine.
Molecular consequence: missense variant. On other transcripts: non-coding transcript variant (1).
Genome position (GRCh38, 1-based): chr11:17,442,878, T>C on the plus strand (A>G on the coding strand, the complement: ABCC8 is on the minus strand). VCF-style: chr11-17442878-T-C. GRCh37 (hg19) VCF-style: chr11-17464425-T-C.
Other names: c.1472A>G, p.Tyr491Cys (NM_001287174.3, NM_001351295.2); c.1469A>G, p.Tyr490Cys (NM_001351296.2, NM_001351297.2); short protein forms Y490C, Y491C.
Identifiers: ClinVar variation 5008364 (VCV005008364.1).

ClinVar aggregate classification (germline): Uncertain significance (1 of 4 stars; one submission).

Submission:

GeneDx
Classification: Uncertain significance. Last evaluated: 2026-03-02. Review status: criteria provided, single submitter. Criteria: GeneDx Variant Classification Process June 2021. Collection method: clinical testing. Allele origin: germline.
Comment: Not observed at significant frequency in large population cohorts (gnomAD); In silico analysis supports that this missense variant has a deleterious effect on protein structure/function; Has not been previously published as pathogenic or benign to our knowledge